The following is an entry in ClinVar:

ClinVar aggregate classification (germline): Uncertain significance (1 of 4 stars; one submission).

gnomAD v4.1: 1 of 1,568,562 alleles (0.000064%); highest among the groups gnomAD compares: African/African-American, 0.0014%; no homozygotes.

Submission:

GeneDx
Classification: Uncertain significance. Last evaluated: 2024-04-08. Review status: criteria provided, single submitter. Criteria: GeneDx Variant Classification Process June 2021. Collection method: clinical testing. Allele origin: germline. Affected: yes.
Comment: Not observed at significant frequency in large population cohorts (gnomAD); In silico analysis indicates that this missense variant does not alter protein structure/function; Has not been previously published as pathogenic or benign to our knowledge

NM_003036.4(SKI):c.1642G>A (p.Ala548Thr)

Gene: SKI (SKI proto-oncogene; plus strand). Cytogenetic location: 1p36.32.
Variant type: single nucleotide variant.
Coding change: c.1642G>A on transcript NM_003036.4 (MANE Select); coding-DNA position 1642, G replaced by A.
Protein change: p.Ala548Thr; replaces alanine 548 with threonine.
Molecular consequence: missense variant.
Genome position (GRCh38, 1-based): chr1:2,304,460, G>A. VCF-style: chr1-2304460-G-A. GRCh37 (hg19) VCF-style: chr1-2235899-G-A.
Other names: short protein forms A548T.
Identifiers: ClinVar variation 3371674 (VCV003371674.1).